The following is an entry in ClinVar:

ClinVar aggregate classification (germline): Likely pathogenic (1 of 4 stars; one submission).

Submission:

Labcorp Genetics (formerly Invitae), Labcorp
Classification: Likely pathogenic. Last evaluated: 2023-03-19. Review status: criteria provided, single submitter. Criteria: Invitae Variant Classification Sherloc (09022015). Collection method: clinical testing. Allele origin: unknown.
Comment: In summary, the currently available evidence indicates that the variant is pathogenic, but additional data are needed to prove that conclusively. Therefore, this variant has been classified as Likely Pathogenic. This variant has not been reported in the literature in individuals affected with FRAS1-related conditions. This variant results in the deletion of exon 9 and part of exon 8 (c.762_981+648delinsATGGGTCAATTTG) of the FRAS1 gene. It is expected to disrupt RNA splicing. Variants that disrupt the donor or acceptor splice site typically lead to a loss of protein function (PMID: 16199547), and loss-of-function variants in FRAS1 are known to be pathogenic (PMID: 12766769, 18671281).

Literature cited by the submitters: PubMed 16199547; PubMed 12766769; PubMed 18671281.

NC_000004.11:g.(?_79188062)_(79189234_?)del

Gene: FRAS1 (Fraser extracellular matrix complex subunit 1; plus strand). Cytogenetic location: 4q21.21.
Variant type: Deletion.
Identifiers: ClinVar variation 3246771 (VCV003246771.1).